The following is an entry in ClinVar:

ClinVar aggregate classification (germline): Uncertain significance. Review status: criteria provided, multiple submitters, no conflicts (2 of 4 stars). 3 submissions from 3 submitters: Uncertain significance (3). Last evaluated 2025-12-01.

Conditions:
Early-infantile DEE. Also called: Early infantile epileptic encephalopathy; Early infantile epileptic encephalopathy with suppression bursts; Ohtahara syndrome. Identifiers: Orphanet 1934, MedGen C0393706, MONDO:0800491.
Inborn genetic diseases. Identifiers: MedGen C0950123, MeSH D030342.

gnomAD v4.1: 5 of 1,613,612 alleles (0.00031%); highest among the groups gnomAD compares: Non-Finnish European, 0.00042%; no homozygotes.

Submissions (3):

CeGaT Center for Human Genetics Tuebingen
Classification: Uncertain significance. Last evaluated: 2025-12-01. Review status: criteria provided, single submitter. Criteria: CeGaT Center For Human Genetics Tuebingen Variant Classification Criteria Version 2. Collection method: clinical testing. Allele origin: germline. Affected: yes. Observed: 1 variant allele.

Ambry Genetics
Classification: Uncertain significance for Inborn genetic diseases. Last evaluated: 2025-10-01. Review status: criteria provided, single submitter. Criteria: Ambry Variant Classification Scheme 2023. Collection method: clinical testing. Allele origin: germline.
Comment: The c.2170G>A (p.V724I) alteration is located in exon 12 (coding exon 12) of the SCN1A gene. This alteration results from a G to A substitution at nucleotide position 2170, causing the valine (V) at amino acid position 724 to be replaced by an isoleucine (I). Based on data from gnomAD, the A allele has an overall frequency of <0.001% (1/251108) total alleles studied. The highest observed frequency was 0.001% (1/113534) of European (non-Finnish) alleles. Based on insufficient or conflicting evidence, the clinical significance of this alteration remains unclear.

Labcorp Genetics (formerly Invitae), Labcorp
Classification: Uncertain significance for Early-infantile DEE. Last evaluated: 2021-07-17. Review status: criteria provided, single submitter. Criteria: Invitae Variant Classification Sherloc (09022015). Collection method: clinical testing. Allele origin: germline.
Comment: In summary, the available evidence is currently insufficient to determine the role of this variant in disease. Therefore, it has been classified as a Variant of Uncertain Significance. Algorithms developed to predict the effect of missense changes on protein structure and function (SIFT, PolyPhen-2, Align-GVGD) all suggest that this variant is likely to be tolerated, but these predictions have not been confirmed by published functional studies and their clinical significance is uncertain. This variant has not been reported in the literature in individuals with SCN1A-related conditions. This variant is not present in population databases (ExAC no frequency). This sequence change replaces valine with isoleucine at codon 724 of the SCN1A protein (p.Val724Ile). The valine residue is highly conserved and there is a small physicochemical difference between valine and isoleucine.

NM_001165963.4(SCN1A):c.2170G>A (p.Val724Ile)

Gene: SCN1A (sodium voltage-gated channel alpha subunit 1; minus strand). Cytogenetic location: 2q24.3.
Variant type: single nucleotide variant.
Coding change: c.2170G>A on transcript NM_001165963.4 (MANE Select); coding-DNA position 2170, G replaced by A.
Protein change: p.Val724Ile; replaces valine 724 with isoleucine.
Molecular consequence: missense variant. On other transcripts: 5 prime UTR variant (1), non-coding transcript variant (1).
Genome position (GRCh38, 1-based): chr2:166,042,298, C>T on the plus strand (G>A on the coding strand, the complement: SCN1A is on the minus strand). VCF-style: chr2-166042298-C-T. GRCh37 (hg19) VCF-style: chr2-166898808-C-T.
Other names: c.-289G>A (NM_001353961.2); c.2137G>A, p.Val713Ile (NM_006920.6, NM_001353949.2, NM_001353950.2 and 2 more transcripts); c.2170G>A (NM_001165963.1); c.2086G>A, p.Val696Ile (NM_001353957.2, NM_001353958.2, NM_001165964.3); c.2083G>A, p.Val695Ile (NM_001353960.2); c.2170G>A, p.Val724Ile (NM_001202435.3, NM_001353948.2); c.2134G>A, p.Val712Ile (NM_001353954.2, NM_001353955.2); short protein forms V695I, V696I, V712I, V713I, V724I.
Identifiers: ClinVar variation 1023054 (VCV001023054.14), dbSNP rs771260698, ClinGen allele CA349065565.
Genomic context (GRCh38, chr2:166,042,298, plus strand): 5'-GACAATATAAGTTTGGTGAAAATAATTGAAACGAAAATAGAATTTGTTACCAACCTTCTA[C>T]TGTATTTGTTAGAATGCTGGCTATACTCATTGCTCGTTGCCTTTGGGAAGGATCTTCTAG-3'
Protein context (NP_001159435.1, residues 714-734): MSIASILTNT[Val724Ile]EELEESRQKC